The following is an entry in ClinVar:

ClinVar aggregate classification (germline): Benign (1 of 4 stars; one submission).

Conditions:
FLNB-Related Spectrum Disorders.

Allele frequency attached by ClinVar (database versions not stated): gnomAD 0.01520 and 0.01633; 1000 Genomes Project 0.01697; TOPMed 0.01731; 1000 Genomes Project 30x 0.02014.

Submission:

Illumina Laboratory Services, Illumina
Classification: Benign for FLNB-Related Spectrum Disorders. Last evaluated: 2018-01-12. Review status: criteria provided, single submitter. Criteria: ICSL Variant Classification Criteria 13 December 2019. Collection method: clinical testing. Allele origin: germline.
Comment: This variant was observed in the ICSL laboratory as part of a predisposition screen in an ostensibly healthy population. It had not been previously curated by ICSL or reported in the Human Gene Mutation Database (HGMD: prior to June 1st, 2018), and was therefore a candidate for classification through an automated scoring system. Utilizing variant allele frequency, disease prevalence and penetrance estimates, and inheritance mode, an automated score was calculated to assess if this variant is too frequent to cause the disease. Based on the score and internal cut-off values, a variant classified as benign is not then subjected to further curation. The score for this variant resulted in a classification of benign for this disease.

NM_001457.4(FLNB):c.*1370G>A

Gene: FLNB (filamin B; plus strand). Cytogenetic location: 3p14.3.
Variant type: single nucleotide variant.
Coding change: c.*1370G>A on transcript NM_001457.4 (MANE Select); 1370 bases downstream of the stop codon, G replaced by A.
Molecular consequence: 3 prime UTR variant.
Genome position (GRCh38, 1-based): chr3:58,172,132, G>A. VCF-style: chr3-58172132-G-A. GRCh37 (hg19) VCF-style: chr3-58157859-G-A.
Other names: c.*1370G>A (NM_001164317.2, NM_001164318.2, NM_001164319.2).
Identifiers: ClinVar variation 346391 (VCV000346391.5), dbSNP rs1131335, ClinGen allele CA10619349.